The following is an entry in ClinVar:

ClinVar aggregate classification (germline): Uncertain significance (1 of 4 stars; one submission).

gnomAD v4.1: 24 of 1,613,912 alleles (0.0015%); highest among the groups gnomAD compares: Non-Finnish European, 0.0019%; no homozygotes.

Submission:

Labcorp Genetics (formerly Invitae), Labcorp
Classification: Uncertain significance. Last evaluated: 2025-10-06. Review status: criteria provided, single submitter. Criteria: Invitae Variant Classification Sherloc (09022015). Collection method: clinical testing. Allele origin: germline.
Comment: This sequence change replaces threonine, which is neutral and polar, with lysine, which is basic and polar, at codon 148 of the RBFOX2 protein (p.Thr148Lys). This variant is present in population databases (no rsID available, gnomAD 0.0009%). This variant has not been reported in the literature in individuals affected with RBFOX2-related conditions. An algorithm developed to predict the effect of missense changes on protein structure and function (PolyPhen-2) suggests that this variant is likely to be tolerated. In summary, the available evidence is currently insufficient to determine the role of this variant in disease. Therefore, it has been classified as a Variant of Uncertain Significance.

NM_001349999.2(RBFOX2):c.443C>A (p.Thr148Lys)

Gene: RBFOX2 (RNA binding fox-1 homolog 2; minus strand). Cytogenetic location: 22q12.3.
Variant type: single nucleotide variant.
Coding change: c.443C>A on transcript NM_001349999.2 (MANE Select); coding-DNA position 443, C replaced by A.
Protein change: p.Thr148Lys; replaces threonine 148 with lysine.
Molecular consequence: missense variant.
Genome position (GRCh38, 1-based): chr22:35,809,799, G>T on the plus strand (C>A on the coding strand, the complement: RBFOX2 is on the minus strand). VCF-style: chr22-35809799-G-T. GRCh37 (hg19) VCF-style: chr22-36205846-G-T.
Other names: c.233C>A, p.Thr78Lys (NM_001031695.4, NM_001082576.3, NM_001082577.3 and 4 more transcripts); c.443C>A, p.Thr148Lys (NM_001082578.4, NM_001082579.3, NM_001394110.1 and 7 more transcripts); c.299C>A, p.Thr100Lys (NM_001349982.2, NM_001349989.2, NM_001349990.2 and 5 more transcripts); short protein forms T100K, T78K, T148K.
Identifiers: ClinVar variation 4779697 (VCV004779697.1).
Genomic context (GRCh38, chr22:35,809,799, plus strand): 5'-TGCCATGCATCCTTCCATTTTTCACCTCATGGTCCACGTACCGTAAGAGATCCATTTTGT[G>T]TGCTGGGTGAGTTGCTGCTCTGCTCCCCGTGGGCTTGCGTACTTCCGTAGAGTGTCAGGT-3'
Protein context (NP_001336928.2, residues 138-158): HGEQSSNSPS[Thr148Lys]QNGSLTQTEG